The following is an entry in ClinVar:

ClinVar aggregate classification (germline): Uncertain significance (1 of 4 stars; one submission).

Conditions:
POLD1-related polyposis and colorectal cancer syndrome (CRCS10). Also called: Colorectal cancer 10; COLORECTAL CANCER, SUSCEPTIBILITY TO, ON CHROMOSOME 19q; Colorectal cancer, susceptibility to, 10. Identifiers: Orphanet 220460, MedGen C2675481, MONDO:0012953, OMIM 612591.

Submission:

Labcorp Genetics (formerly Invitae), Labcorp
Classification: Uncertain significance for POLD1-related polyposis and colorectal cancer syndrome. Last evaluated: 2020-10-30. Review status: criteria provided, single submitter. Criteria: Invitae Variant Classification Sherloc (09022015). Collection method: clinical testing. Allele origin: germline.
Comment: This sequence change replaces alanine with valine at codon 39 of the POLD1 protein (p.Ala39Val). The alanine residue is moderately conserved and there is a small physicochemical difference between alanine and valine. This variant is not present in population databases (ExAC no frequency). This variant has not been reported in the literature in individuals with POLD1-related conditions. Algorithms developed to predict the effect of missense changes on protein structure and function are either unavailable or do not agree on the potential impact of this missense change (SIFT: "Tolerated"; PolyPhen-2: "Probably Damaging"; Align-GVGD: "Class C0"). Algorithms developed to predict the effect of sequence changes on RNA splicing suggest that this variant may create or strengthen a splice site, but this prediction has not been confirmed by published transcriptional studies. In summary, the available evidence is currently insufficient to determine the role of this variant in disease. Therefore, it has been classified as a Variant of Uncertain Significance.

NM_002691.4(POLD1):c.116C>T (p.Ala39Val)

Gene: POLD1 (DNA polymerase delta 1, catalytic subunit; plus strand). Cytogenetic location: 19q13.33.
Variant type: single nucleotide variant.
Coding change: c.116C>T on transcript NM_002691.4 (MANE Select); coding-DNA position 116, C replaced by T.
Protein change: p.Ala39Val; replaces alanine 39 with valine.
Molecular consequence: missense variant. On other transcripts: non-coding transcript variant (1).
Genome position (GRCh38, 1-based): chr19:50,398,967, C>T. VCF-style: chr19-50398967-C-T. GRCh37 (hg19) VCF-style: chr19-50902224-C-T.
Other names: c.116C>T, p.Ala39Val (NM_001256849.1, NM_001308632.1); short protein forms A39V.
Identifiers: ClinVar variation 1019202 (VCV001019202.8), dbSNP rs2038477930, ClinGen allele CA406970174.